The following is an entry in ClinVar:

ClinVar aggregate classification (germline): Uncertain significance. Review status: criteria provided, multiple submitters, no conflicts (2 of 4 stars). 3 submissions from 3 submitters: Uncertain significance (3). Last evaluated 2025-01-02.

Conditions:
Ellis-van Creveld syndrome (EVC). Also called: EVC-Related Ellis-van Creveld Syndrome; EVC2-Related Ellis-van Creveld Syndrome; MESOECTODERMAL DYSPLASIA; Chondroectodermal dysplasia. Identifiers: Orphanet 289, MedGen C0013903, MONDO:0009162, OMIM 225500.
Inborn genetic diseases. Identifiers: MedGen C0950123, MeSH D030342.
Curry-Hall syndrome (WAD). Also called: WEYERS ACRODENTAL DYSOSTOSIS. Identifiers: Orphanet 952, MedGen C0457013, MONDO:0008673, OMIM 193530.

Allele frequency attached by ClinVar (database versions not stated): TOPMed 0.00006; ESP Exome Variant Server 0.00015; gnomAD 0.00021.
gnomAD v4.1: 202 of 1,613,736 alleles (0.013%); highest among the groups gnomAD compares: Non-Finnish European, 0.014%; no homozygotes.

Submissions (3):

Labcorp Genetics (formerly Invitae), Labcorp
Classification: Uncertain significance for Curry-Hall syndrome; Ellis-van Creveld syndrome. Last evaluated: 2025-01-02. Review status: criteria provided, single submitter. Criteria: Invitae Variant Classification Sherloc (09022015). Collection method: clinical testing. Allele origin: germline.
Comment: This sequence change replaces valine, which is neutral and non-polar, with methionine, which is neutral and non-polar, at codon 890 of the EVC2 protein (p.Val890Met). This variant is present in population databases (rs371698182, gnomAD 0.02%). This variant has not been reported in the literature in individuals affected with EVC2-related conditions. ClinVar contains an entry for this variant (Variation ID: 900742). An algorithm developed to predict the effect of missense changes on protein structure and function (PolyPhen-2) suggests that this variant¬¨‚Ä†is likely to be tolerated. In summary, the available evidence is currently insufficient to determine the role of this variant in disease. Therefore, it has been classified as a Variant of Uncertain Significance.

Ambry Genetics
Classification: Uncertain significance for Inborn genetic diseases. Last evaluated: 2021-08-10. Review status: criteria provided, single submitter. Criteria: Ambry Variant Classification Scheme 2023. Collection method: clinical testing. Allele origin: germline.

Illumina Laboratory Services, Illumina
Classification: Uncertain significance for Ellis-van Creveld syndrome. Last evaluated: 2018-01-12. Review status: criteria provided, single submitter. Criteria: ICSL Variant Classification Criteria 13 December 2019. Collection method: clinical testing. Allele origin: germline.

NM_147127.5(EVC2):c.2668G>A (p.Val890Met)

Gene: EVC2 (EvC ciliary complex subunit 2; minus strand). Cytogenetic location: 4p16.2.
Variant type: single nucleotide variant.
Coding change: c.2668G>A on transcript NM_147127.5 (MANE Select); coding-DNA position 2668, G replaced by A.
Protein change: p.Val890Met; replaces valine 890 with methionine.
Molecular consequence: missense variant.
Genome position (GRCh38, 1-based): chr4:5,618,516, C>T on the plus strand (G>A on the coding strand, the complement: EVC2 is on the minus strand). VCF-style: chr4-5618516-C-T. GRCh37 (hg19) VCF-style: chr4-5620243-C-T.
Other names: c.2428G>A, p.Val810Met (NM_001166136.2); short protein forms V810M, V890M.
Identifiers: ClinVar variation 900742 (VCV000900742.9), dbSNP rs371698182, ClinGen allele CA2834634.